The following is an entry in ClinVar:

ClinVar aggregate classification (germline): Uncertain significance. Review status: criteria provided, multiple submitters, no conflicts (2 of 4 stars). 3 submissions from 3 submitters: Uncertain significance (3). Last evaluated 2024-02-20.

Conditions:
Hereditary cancer-predisposing syndrome. Also called: Tumor predisposition; Hereditary neoplastic syndrome; Neoplastic Syndromes, Hereditary; Hereditary Cancer Syndrome. Identifiers: Orphanet 140162, MedGen C0027672, MeSH D009386, MONDO:0015356.

Allele frequency attached by ClinVar (database versions not stated): gnomAD exomes below 0.00001.
gnomAD v4.1: 1 of 1,614,000 alleles (0.000062%); highest among the groups gnomAD compares: Non-Finnish European, 0.000085%; no homozygotes.

Submissions (3):

Ambry Genetics
Classification: Uncertain significance for Hereditary cancer-predisposing syndrome. Last evaluated: 2024-02-20. Review status: criteria provided, single submitter. Criteria: Ambry Variant Classification Scheme 2023. Collection method: clinical testing. Allele origin: germline.
Comment: The p.Q2704E variant (also known as c.8110C>G), located in coding exon 15 of the APC gene, results from a C to G substitution at nucleotide position 8110. The glutamine at codon 2704 is replaced by glutamic acid, an amino acid with highly similar properties. This amino acid position is conserved. In addition, in silico predictors for this gene do not accurately predict pathogenicity. Based on the available evidence, the clinical significance of this alteration remains unclear.

Color Diagnostics, LLC DBA Color Health
Classification: Uncertain significance for Hereditary cancer-predisposing syndrome. Last evaluated: 2023-02-27. Review status: criteria provided, single submitter. Criteria: ACMG Guidelines, 2015. Collection method: clinical testing. Allele origin: germline.
Comment: This missense variant replaces glutamine with glutamic acid at codon 2704 of the APC protein. Computational prediction suggests that this variant may not impact protein structure and function (internally defined REVEL score threshold <= 0.5, PMID: 27666373). To our knowledge, functional studies have not been reported for this variant. This variant has not been reported in individuals affected with APC-related disorders in the literature. This variant has not been identified in the general population by the Genome Aggregation Database (gnomAD). The available evidence is insufficient to determine the role of this variant in disease conclusively. Therefore, this variant is classified as a Variant of Uncertain Significance.

GeneDx
Classification: Uncertain significance. Last evaluated: 2023-02-13. Review status: criteria provided, single submitter. Criteria: GeneDx Variant Classification Process June 2021. Collection method: clinical testing. Allele origin: germline. Affected: yes.
Comment: Not observed at significant frequency in large population cohorts (gnomAD); In silico analysis supports that this missense variant does not alter protein structure/function; Has not been previously published as pathogenic or benign to our knowledge; This variant is associated with the following publications: (PMID: 18199528)

NM_000038.6(APC):c.8110C>G (p.Gln2704Glu)

Gene: APC (APC regulator of Wnt signaling pathway; plus strand). Cytogenetic location: 5q22.2.
Variant type: single nucleotide variant.
Coding change: c.8110C>G on transcript NM_000038.6 (MANE Select); coding-DNA position 8110, C replaced by G.
Protein change: p.Gln2704Glu; replaces glutamine 2704 with glutamic acid.
Molecular consequence: missense variant. On other transcripts: non-coding transcript variant (2).
Genome position (GRCh38, 1-based): chr5:112,843,704, C>G. VCF-style: chr5-112843704-C-G. GRCh37 (hg19) VCF-style: chr5-112179401-C-G.
Other names: c.8110C>G, p.Gln2704Glu (NM_001127510.3, NM_001354895.2, NM_001407450.1); c.8056C>G, p.Gln2686Glu (NM_001127511.3); c.8164C>G, p.Gln2722Glu (NM_001354896.2, NM_001407447.1, NM_001407448.1 and 1 more transcripts); c.8140C>G, p.Gln2714Glu (NM_001354897.2); c.8035C>G, p.Gln2679Glu (NM_001354898.2); c.8026C>G, p.Gln2676Glu (NM_001354899.2); c.7987C>G, p.Gln2663Glu (NM_001354900.2); c.7933C>G, p.Gln2645Glu (NM_001354901.2, NM_001407453.1); and 11 more; short protein forms Q2320E, Q2421E, Q2544E, Q2575E, Q2578E, Q2603E, Q2613E, Q2621E.
Identifiers: ClinVar variation 2575700 (VCV002575700.4), dbSNP rs2533844726, ClinGen allele CA16038945.
Genomic context (GRCh38, chr5:112,843,704, plus strand): 5'-GACAGTGTTTCAGAAAAGGCAAATCCAAACATTAAAGATTCAAAAGATAATCAGGCAAAA[C>G]AAAATGTGGGTAATGGCAGTGTTCCCATGCGTACCGTGGGTTTGGAAAATCGCCTGAACT-3'
Protein context (NP_000029.2, residues 2694-2714): IKDSKDNQAK[Gln2704Glu]NVGNGSVPMR